The following is an entry in ClinVar:

ClinVar aggregate classification (germline): Uncertain significance. Review status: criteria provided, multiple submitters, no conflicts (2 of 4 stars). 2 submissions from 2 submitters: Uncertain significance (2). Last evaluated 2023-12-01.

Conditions:
Intellectual developmental disorder with or without epilepsy or cerebellar ataxia. Identifiers: MedGen C4748041, MONDO:0060745, OMIM 618060.

Allele frequency attached by ClinVar (database versions not stated): gnomAD exomes below 0.00001; ExAC 0.00001; gnomAD 0.00001; TOPMed 0.00001.
gnomAD v4.1: 8 of 1,613,586 alleles (0.0005%); highest among the groups gnomAD compares: African/African-American, 0.0013%; no homozygotes.

Submissions (2):

CeGaT Center for Human Genetics Tuebingen
Classification: Uncertain significance. Last evaluated: 2023-12-01. Review status: criteria provided, single submitter. Criteria: CeGaT Center For Human Genetics Tuebingen Variant Classification Criteria Version 2. Collection method: clinical testing. Allele origin: germline. Affected: yes. Observed: 1 variant allele.
Comment: RORA: PP3

Revvity Omics, Revvity
Classification: Uncertain significance for Intellectual developmental disorder with or without epilepsy or cerebellar ataxia. Last evaluated: 2019-02-04. Review status: criteria provided, single submitter. Criteria: ACMG Guidelines, 2015. Collection method: clinical testing. Allele origin: germline.

NM_134261.3(RORA):c.509G>A (p.Arg170His)

Genes: RORA (RAR related orphan receptor A; minus strand), RORA-AS1 (RORA antisense RNA 1; plus strand). Cytogenetic location: 15q22.2.
Variant type: single nucleotide variant.
Coding change: c.509G>A on transcript NM_134261.3 (MANE Select); coding-DNA position 509, G replaced by A.
Protein change: p.Arg170His; replaces arginine 170 with histidine.
Molecular consequence: missense variant.
Genome position (GRCh38, 1-based): chr15:60,511,537, C>T on the plus strand (G>A on the coding strand, the complement: RORA is on the minus strand). VCF-style: chr15-60511537-C-T. GRCh37 (hg19) VCF-style: chr15-60803736-C-T.
Other names: c.584G>A, p.Arg195His (NM_002943.4); c.608G>A, p.Arg203His (NM_134260.3); c.344G>A, p.Arg115His (NM_134262.3); short protein forms R115H, R170H, R195H, R203H.
Identifiers: ClinVar variation 2435458 (VCV002435458.25), dbSNP rs758295613, ClinGen allele CA7593698.